The following is an entry in ClinVar:

NM_006852.6(TLK2):c.1121+1G>A

Gene: TLK2 (tousled like kinase 2; plus strand). Cytogenetic location: 17q23.2.
Variant type: single nucleotide variant.
Coding change: c.1121+1G>A on transcript NM_006852.6 (MANE Select); the canonical splice donor site of the intron after coding-DNA position 1121, G replaced by A.
Molecular consequence: splice donor variant.
Genome position (GRCh38, 1-based): chr17:62,573,368, G>A. VCF-style: chr17-62573368-G-A. GRCh37 (hg19) VCF-style: chr17-60650729-G-A.
Other names: NC_000017.10:g.60650729G>A; c.1121+1G>A (NM_001375271.1, NM_001375270.1, NM_001284333.3); c.674+1G>A (NM_001375273.1, NM_001330418.3); c.1025+1G>A (NM_001375272.1, NM_001284363.1); c.836+1G>A (NM_001411074.1); c.1163+1G>A (NM_001375269.1).
Identifiers: ClinVar variation 1699234 (VCV001699234.10), dbSNP rs2146617330, ClinGen allele CA400501744.
Genomic context (GRCh38, chr17:62,573,368, plus strand): 5'-TCCTGCAACCAATGAGCAGAAACAGCGGAAAAGCAAGACCAATGGAGCTGAAAATGAAAC[G>A]TATGTTCTTTATTGACGTGAACGCTGAGACACCACACCCTGCCCCCAAATACAAATGTTG-3'

ClinVar aggregate classification (germline): Pathogenic/Likely pathogenic. Review status: criteria provided, multiple submitters, no conflicts (2 of 4 stars). 6 submissions from 6 submitters: Pathogenic (4); Likely pathogenic (1). 1 of the submissions does not count toward it. Last evaluated 2025-03-04.

Conditions:
TLK2-related disorder. Also called: TLK2-related condition.
Intellectual developmental disorder, autosomal dominant 57. Also called: MENTAL RETARDATION, AUTOSOMAL DOMINANT 57; Intellectual disability, autosomal dominant 57. Identifiers: MedGen C4748003, MONDO:0054837, OMIM 618050.

Submissions (7):

Institute of Human Genetics, University of Leipzig Medical Center
Classification: Pathogenic for Intellectual developmental disorder, autosomal dominant 57. Last evaluated: 2025-03-04. Review status: criteria provided, single submitter. Criteria: ACMG Guidelines, 2015. Collection method: clinical testing. Allele origin: de novo. Inheritance: Autosomal dominant inheritance. Affected: yes.
Comment: Criteria applied: PS2_VSTR,PVS1_MOD,PS4_MOD,PM2

Blueprint Genetics
Classification: Pathogenic for TLK2-related disorders. Last evaluated: 2023-12-20. Review status: criteria provided, single submitter. Criteria: ACMG Guidelines, 2015. Collection method: clinical testing. Allele origin: germline. Affected: yes. Observed: 2 variant alleles.

GeneDx
Classification: Pathogenic. Last evaluated: 2023-11-29. Review status: criteria provided, single submitter. Criteria: GeneDx Variant Classification Process June 2021. Collection method: clinical testing. Allele origin: germline. Affected: yes.
Comment: Canonical splice site variant predicted to result in an in-frame loss of the adjacent exon in a gene for which loss of function is a known mechanism of disease; Not observed at significant frequency in large population cohorts (gnomAD); This variant is associated with the following publications: (PMID: 29861108, 34821460)

Victorian Clinical Genetics Services, Murdoch Childrens Research Institute
Classification: Pathogenic for Intellectual developmental disorder, autosomal dominant 57. Last evaluated: 2022-09-02. Review status: criteria provided, single submitter. Criteria: ACMG Guidelines, 2015. Collection method: clinical testing. Allele origin: germline. Inheritance: Autosomal dominant inheritance. Affected: yes.
Comment: Based on the classification scheme VCGS_Germline_v1.3.4, this variant is classified as Pathogenic. Following criteria are met: 0102 - Loss of function is a known mechanism of disease in this gene and is associated with intellectual developmental disorder, autosomal dominant 57 (MIM#618050). (I) 0107 - This gene is associated with autosomal dominant disease. (I) 0211 - Canonical splice site variant without proven consequence on splicing (no functional evidence available). (SP) 0251 - This variant is heterozygous. (I) 0301 - Variant is absent from gnomAD (both v2 and v3). (SP) 0505 - Abnormal splicing is predicted by in silico tools and affected nucleotide is highly conserved. (SP) 0704 - Another canonical splice variant comparable to the one identified in this case has limited previous evidence for pathogenicity. This alternative change (c.1121+G>C) has been reported as de novo and likely pathogenic in an individual with intellectual disability and dysmorphic features (DECIPHER). (SP) 0802 - This variant has moderate previous evidence of pathogenicity in unrelated individuals. This variant has been observed as de novo in at least two unrelated individuals with global developmental delay and dysmorphic features (PMID: 34821460, PMID 29861108). (SP) 0905 - No published segregation evidence has been identified for this variant. (I) 1007 - No published functional evidence has been identified for this variant. (SP) Legend: (SP) - Supporting pathogenic, (I) - Information, (SB) - Supporting benign

Centre de Biologie Pathologie Génétique, Centre Hospitalier Universitaire de Lille
Classification: Likely pathogenic for Intellectual developmental disorder, autosomal dominant 57. Review status: criteria provided, single submitter. Criteria: ACMG Guidelines, 2015. Collection method: clinical testing. Allele origin: de novo. Affected: yes.

Solve-RD Consortium
Classification: Likely pathogenic for Intellectual developmental disorder, autosomal dominant 57. Last evaluated: 2022-06-01. Review status: no assertion criteria provided. Collection method: provider interpretation. Allele origin: de novo. Affected: yes. Not counted in ClinVar's aggregate classification.
Comment: Variant confirmed as disease-causing by referring clinical team

Variant identified during reanalysis of unsolved cases by the Solve-RD project. The Solve-RD project has received funding from the European Union’s Horizon 2020 research and innovation programme under grant agreement No 779257.

Dr. Peter K. Rogan Lab, Western University
No classification provided (evidence only). Condition: Cervical cancer. Review status: no classification provided. Collection method: in vitro. Allele origin: not applicable. Functional consequence: skipped exon, retained intron. Not counted in ClinVar's aggregate classification.

Literature cited by the submitters: PubMed 29861108 (cited by Victorian Clinical Genetics Services, Murdoch Childrens Research Institute); PubMed 34821460 (cited by Victorian Clinical Genetics Services, Murdoch Childrens Research Institute); PubMed 39825153 (cited by Solve-RD Consortium).